The following is an entry in ClinVar:

ClinVar aggregate classification (germline): Likely pathogenic (1 of 4 stars; one submission).

Allele frequency attached by ClinVar (database versions not stated): ExAC 0.00001.
gnomAD v4.1: 1 of 1,610,862 alleles (0.000062%); highest among the groups gnomAD compares: South Asian, 0.0011%; no homozygotes.

Submission:

Labcorp Genetics (formerly Invitae), Labcorp
Classification: Likely pathogenic. Last evaluated: 2022-11-24. Review status: criteria provided, single submitter. Criteria: Invitae Variant Classification Sherloc (09022015). Collection method: clinical testing. Allele origin: germline.
Comment: This sequence change replaces proline, which is neutral and non-polar, with arginine, which is basic and polar, at codon 466 of the ALPL protein (p.Pro466Arg). This variant is present in population databases (rs773075737, gnomAD 0.003%). This variant has not been reported in the literature in individuals affected with ALPL-related conditions. Advanced modeling of protein sequence and biophysical properties (such as structural, functional, and spatial information, amino acid conservation, physicochemical variation, residue mobility, and thermodynamic stability) performed at Invitae indicates that this missense variant is expected to disrupt ALPL protein function. This variant disrupts the p.Pro466 amino acid residue in ALPL. Other variant(s) that disrupt this residue have been determined to be pathogenic (Invitae). This suggests that this residue is clinically significant, and that variants that disrupt this residue are likely to be disease-causing. In summary, the currently available evidence indicates that the variant is pathogenic, but additional data are needed to prove that conclusively. Therefore, this variant has been classified as Likely Pathogenic.

NM_000478.6(ALPL):c.1397C>G (p.Pro466Arg)

Gene: ALPL (alkaline phosphatase, biomineralization associated; plus strand). Cytogenetic location: 1p36.12.
Variant type: single nucleotide variant.
Coding change: c.1397C>G on transcript NM_000478.6 (MANE Select); coding-DNA position 1397, C replaced by G.
Protein change: p.Pro466Arg; replaces proline 466 with arginine.
Molecular consequence: missense variant.
Genome position (GRCh38, 1-based): chr1:21,577,470, C>G. VCF-style: chr1-21577470-C-G. GRCh37 (hg19) VCF-style: chr1-21903963-C-G.
Other names: c.1232C>G, p.Pro411Arg (NM_001127501.4); c.1166C>G, p.Pro389Arg (NM_001177520.3); c.1397C>G, p.Pro466Arg (NM_001369803.2, NM_001369804.2, NM_001369805.2); short protein forms P411R, P466R, P389R.
Identifiers: ClinVar variation 2816173 (VCV002816173.3), dbSNP rs773075737, ClinGen allele CA666840.